The following is an entry in ClinVar:

ClinVar aggregate classification (germline): Pathogenic. Review status: no assertion criteria provided (0 of 4 stars). 3 submissions from 3 submitters: Pathogenic (1). 2 of the submissions do not count toward it. Last evaluated 1999-07-13.

Conditions:
Familial hemiplegic migraine. Identifiers: MedGen C0338484, MONDO:0000700.
Migraine, familial hemiplegic, 1. Also called: MIGRAINE, FAMILIAL HEMIPLEGIC 1, WITH PROGRESSIVE CEREBELLAR ATAXIA. Identifiers: Orphanet 569, MedGen C1832884, MONDO:0020756, OMIM 141500, MONDO:0007714.

Submissions (3):

OMIM
Classification: Pathogenic for MIGRAINE, FAMILIAL HEMIPLEGIC, 1. Last evaluated: 1999-07-13. Review status: no assertion criteria provided. Collection method: literature only. Allele origin: germline.

GeneReviews
No classification provided. Condition: Familial hemiplegic migraine. Review status: no classification provided. Collection method: literature only. Allele origin: germline. Not counted in ClinVar's aggregate classification.
Comment: Hemiplegic attacks

UniProtKB/Swiss-Prot
No classification provided. Condition: Familial hemiplegic migraine type 1. Review status: no classification provided. Collection method: not provided. Allele origin: not provided. Not counted in ClinVar's aggregate classification.
Comment: V1457L in the literature

Literature cited by the submitters: PubMed 10408532 (cited by OMIM and GeneReviews); PubMed 20301562 (cited by GeneReviews).

NM_001127222.2(CACNA1A):c.4363G>T (p.Val1455Leu)

Gene: CACNA1A (calcium voltage-gated channel subunit alpha1 A; minus strand). Cytogenetic location: 19p13.13.
Variant type: single nucleotide variant.
Coding change: c.4363G>T on transcript NM_001127222.2 (MANE Select); coding-DNA position 4363, G replaced by T.
Protein change: p.Val1455Leu; replaces valine 1455 with leucine.
Molecular consequence: missense variant.
Genome position (GRCh38, 1-based): chr19:13,259,589, C>A on the plus strand (G>T on the coding strand, the complement: CACNA1A is on the minus strand). VCF-style: chr19-13259589-C-A. GRCh37 (hg19) VCF-style: chr19-13370403-C-A.
Other names: V1457L; c.4375G>T, p.Val1459Leu (NM_000068.4, NM_023035.3); c.4366G>T, p.Val1456Leu (NM_001127221.2, NM_001174080.2); short protein forms V1455L, V1456L, V1459L.
Identifiers: ClinVar variation 8503 (VCV000008503.3), dbSNP rs121908237, ClinGen allele CA254466.